The following is an entry in ClinVar:

NM_017672.6(TRPM7):c.1504C>A (p.Pro502Thr)

Gene: TRPM7 (transient receptor potential cation channel subfamily M member 7; minus strand). Cytogenetic location: 15q21.2.
Variant type: single nucleotide variant.
Coding change: c.1504C>A on transcript NM_017672.6 (MANE Select); coding-DNA position 1504, C replaced by A.
Protein change: p.Pro502Thr; replaces proline 502 with threonine.
Molecular consequence: missense variant. On other transcripts: non-coding transcript variant (3).
Genome position (GRCh38, 1-based): chr15:50,614,254, G>T on the plus strand (C>A on the coding strand, the complement: TRPM7 is on the minus strand). VCF-style: chr15-50614254-G-T. GRCh37 (hg19) VCF-style: chr15-50906451-G-T.
Other names: c.1504C>A, p.Pro502Thr (NM_001301212.2); short protein forms P502T.
Identifiers: ClinVar variation 3063767 (VCV003063767.1), dbSNP rs1223489527, ClinGen allele CA392411451.
Genomic context (GRCh38, chr15:50,614,254, plus strand): 5'-CTCCCATGAGATATTCAATAACAAGTCCTATATCAATCAGAGTGATCTTATATCCTGGAG[G>T]AAGATTTCCCTAGAAACAAAACATTTGTTTTAAATAGATCAGATAGCACTTCTCAATATT-3'
Protein context (NP_060142.3, residues 492-512): LVRDVKQGNL[Pro502Thr]PGYKITLIDI

ClinVar aggregate classification (germline): Uncertain significance (1 of 4 stars; one submission).

Allele frequency attached by ClinVar (database versions not stated): gnomAD 0.00001; gnomAD exomes 0.00001; TOPMed 0.00001.
gnomAD v4.1: 12 of 1,596,432 alleles (0.00075%); highest among the groups gnomAD compares: Non-Finnish European, 0.001%; no homozygotes.

Submission:

Women's Health and Genetics/Laboratory Corporation of America, LabCorp
Classification: Uncertain significance. Last evaluated: 2024-01-04. Review status: criteria provided, single submitter. Criteria: LabCorp Variant Classification Summary - May 2015. Collection method: clinical testing. Allele origin: germline.
Comment: Variant summary: TRPM7 c.1504C>A (p.Pro502Thr) results in a non-conservative amino acid change in the encoded protein sequence. Four of five in-silico tools predict a damaging effect of the variant on protein function. The variant allele was found at a frequency of 4.3e-06 in 230640 control chromosomes. The available data on variant occurrences in the general population are insufficient to allow any conclusion about variant significance. To our knowledge, no occurrence of c.1504C>A in individuals affected with Amyotrophic Lateral Sclerosis-Parkinsonism Complex and no experimental evidence demonstrating its impact on protein function have been reported. No submitters have cited clinical-significance assessments for this variant to ClinVar after 2014. Based on the evidence outlined above, the variant was classified as uncertain significance.